The following is an entry in ClinVar:

NM_024642.5(GALNT12):c.35G>T (p.Arg12Leu)

Gene: GALNT12 (polypeptide N-acetylgalactosaminyltransferase 12; plus strand). Cytogenetic location: 9q22.33.
Variant type: single nucleotide variant.
Coding change: c.35G>T on transcript NM_024642.5 (MANE Select); coding-DNA position 35, G replaced by T.
Protein change: p.Arg12Leu; replaces arginine 12 with leucine.
Molecular consequence: missense variant.
Genome position (GRCh38, 1-based): chr9:98,807,733, G>T. VCF-style: chr9-98807733-G-T. GRCh37 (hg19) VCF-style: chr9-101570015-G-T.
Other names: short protein forms R12L.
Identifiers: ClinVar variation 1733080 (VCV001733080.3), dbSNP rs1835405469, ClinGen allele CA374222080.

ClinVar aggregate classification (germline): Uncertain significance (1 of 4 stars; one submission).

Allele frequency attached by ClinVar (database versions not stated): TOPMed below 0.00001.

Submission:

Ambry Genetics
Classification: Uncertain significance. Last evaluated: 2024-06-16. Review status: criteria provided, single submitter. Criteria: Ambry Variant Classification Scheme 2023. Collection method: clinical testing. Allele origin: germline.
Comment: The p.R12L variant (also known as c.35G>T), located in coding exon 1 of the GALNT12 gene, results from a G to T substitution at nucleotide position 35. The arginine at codon 12 is replaced by leucine, an amino acid with dissimilar properties. This amino acid position is conserved. In addition, this alteration is predicted to be tolerated by in silico analysis. Since supporting evidence is limited at this time, the clinical significance of this alteration remains unclear.